The following is an entry in ClinVar:

ClinVar aggregate classification (germline): Uncertain significance (1 of 4 stars; one submission).

Allele frequency attached by ClinVar (database versions not stated): ExAC 0.00001.

Submission:

Women's Health and Genetics/Laboratory Corporation of America, LabCorp
Classification: Uncertain significance. Last evaluated: 2023-07-26. Review status: criteria provided, single submitter. Criteria: LabCorp Variant Classification Summary - May 2015. Collection method: clinical testing. Allele origin: germline.
Comment: Variant summary: TRIO c.8915C>A (p.Thr2972Asn) results in a non-conservative amino acid change located in the Protein kinase domain (IPR000719) of the encoded protein sequence. Three of five in-silico tools predict a damaging effect of the variant on protein function. The variant allele was found at a frequency of 4e-06 in 251490 control chromosomes (gnomAD). The available data on variant occurrences in the general population are insufficient to allow any conclusion about variant significance. To our knowledge, no occurrence of c.8915C>A in individuals affected with TRIO-Related Intellectual Disability and no experimental evidence demonstrating its impact on protein function have been reported. No submitters have cited clinical-significance assessments for this variant to ClinVar after 2014. Based on the evidence outlined above, the variant was classified as uncertain significance.

NM_007118.4(TRIO):c.8915C>A (p.Thr2972Asn)

Gene: TRIO (trio Rho guanine nucleotide exchange factor; plus strand). Cytogenetic location: 5p15.2.
Variant type: single nucleotide variant.
Coding change: c.8915C>A on transcript NM_007118.4 (MANE Select); coding-DNA position 8915, C replaced by A.
Protein change: p.Thr2972Asn; replaces threonine 2972 with asparagine.
Molecular consequence: missense variant. On other transcripts: non-coding transcript variant (1).
Genome position (GRCh38, 1-based): chr5:14,508,043, C>A. VCF-style: chr5-14508043-C-A. GRCh37 (hg19) VCF-style: chr5-14508152-C-A.
Other names: short protein forms T2972N.
Identifiers: ClinVar variation 2577080 (VCV002577080.1), dbSNP rs764393228, ClinGen allele CA3208008.